The following is an entry in ClinVar:

ClinVar aggregate classification (germline): Uncertain significance. Review status: criteria provided, multiple submitters, no conflicts (2 of 4 stars). 2 submissions from 2 submitters: Uncertain significance (2). Last evaluated 2022-04-22.

Conditions:
Diffuse cerebral and cerebellar atrophy - intractable seizures - progressive microcephaly syndrome. Also called: Microcephaly, progressive, with seizures and cerebral and cerebellar atrophy. Identifiers: Orphanet 404437, MedGen C4014239, MONDO:0014335, OMIM 615760.

Allele frequency attached by ClinVar (database versions not stated): gnomAD exomes 0.00001; ExAC 0.00002; gnomAD 0.00003.
gnomAD v4.1: 31 of 1,614,042 alleles (0.0019%); highest among the groups gnomAD compares: Non-Finnish European, 0.0025%; no homozygotes.

Submissions (2):

Labcorp Genetics (formerly Invitae), Labcorp
Classification: Uncertain significance for Diffuse cerebral and cerebellar atrophy - intractable seizures - progressive microcephaly syndrome. Last evaluated: 2022-04-22. Review status: criteria provided, single submitter. Criteria: Invitae Variant Classification Sherloc (09022015). Collection method: clinical testing. Allele origin: germline.
Comment: This sequence change replaces lysine, which is basic and polar, with threonine, which is neutral and polar, at codon 431 of the QARS protein (p.Lys431Thr). This variant is present in population databases (rs778340693, gnomAD 0.003%). This variant has not been reported in the literature in individuals affected with QARS-related conditions. ClinVar contains an entry for this variant (Variation ID: 1302563). Algorithms developed to predict the effect of missense changes on protein structure and function output the following: SIFT: "Tolerated"; PolyPhen-2: "Not Available"; Align-GVGD: "Class C0". The threonine amino acid residue is found in multiple mammalian species, which suggests that this missense change does not adversely affect protein function. In summary, the available evidence is currently insufficient to determine the role of this variant in disease. Therefore, it has been classified as a Variant of Uncertain Significance.

GeneDx
Classification: Uncertain significance. Last evaluated: 2019-08-20. Review status: criteria provided, single submitter. Criteria: GeneDx Variant Classification Process June 2021. Collection method: clinical testing. Allele origin: germline. Affected: yes.
Comment: Not observed at a significant frequency in large population cohorts (Lek et al., 2016); In silico analysis, which includes protein predictors and evolutionary conservation, supports a deleterious effect; Has not been previously published as pathogenic or benign to our knowledge

NM_005051.3(QARS1):c.1292A>C (p.Lys431Thr)

Gene: QARS1 (glutaminyl-tRNA synthetase 1; minus strand). Cytogenetic location: 3p21.31.
Variant type: single nucleotide variant.
Coding change: c.1292A>C on transcript NM_005051.3 (MANE Select); coding-DNA position 1292, A replaced by C.
Protein change: p.Lys431Thr; replaces lysine 431 with threonine.
Molecular consequence: missense variant. On other transcripts: non-coding transcript variant (1).
Genome position (GRCh38, 1-based): chr3:49,099,964, T>G on the plus strand (A>C on the coding strand, the complement: QARS1 is on the minus strand). VCF-style: chr3-49099964-T-G. GRCh37 (hg19) VCF-style: chr3-49137397-T-G.
Other names: c.1259A>C, p.Lys420Thr (NM_001272073.2); short protein forms K420T, K431T.
Identifiers: ClinVar variation 1302563 (VCV001302563.7), dbSNP rs778340693, ClinGen allele CA2391823.
Genomic context (GRCh38, chr3:49,099,964, plus strand): 5'-CCCATGGCCCATCGCCCTGCTCGGCAGCCCCACCACCCCACCCCATTCTACACCCACCAT[T>G]TGTCCCCTGTGCGGTGGTGTGGTGTATACTTGACTCGATAGGCTACAGGGTCCATCTTGC-3'
Protein context (NP_005042.1, residues 421-441): KYTPHHRTGD[Lys431Thr]WCIYPTYDYT